The following is an entry in ClinVar:

NM_012431.3(SEMA3E):c.1471A>G (p.Ile491Val)

Gene: SEMA3E (semaphorin 3E; minus strand). Cytogenetic location: 7q21.11.
Variant type: single nucleotide variant.
Coding change: c.1471A>G on transcript NM_012431.3 (MANE Select); coding-DNA position 1471, A replaced by G.
Protein change: p.Ile491Val; replaces isoleucine 491 with valine.
Molecular consequence: missense variant.
Genome position (GRCh38, 1-based): chr7:83,394,326, T>C on the plus strand (A>G on the coding strand, the complement: SEMA3E is on the minus strand). VCF-style: chr7-83394326-T-C. GRCh37 (hg19) VCF-style: chr7-83023642-T-C.
Other names: c.1291A>G, p.Ile431Val (NM_001178129.2); short protein forms I431V, I491V.
Identifiers: ClinVar variation 4989724 (VCV004989724.1).

ClinVar aggregate classification (germline): Uncertain significance (1 of 4 stars; one submission).

Conditions:
SEMA3E-related disorder. Also called: SEMA3E-related condition.

gnomAD v4.1: 1 of 1,613,084 alleles (0.000062%); highest among the groups gnomAD compares: African/African-American, 0.0013%; no homozygotes.

Submission:

PreventionGenetics, part of Exact Sciences
Classification: Uncertain significance for SEMA3E-related condition. Last evaluated: 2025-04-16. Review status: criteria provided, single submitter. Criteria: ACMG Guidelines, 2015. Collection method: clinical testing. Allele origin: germline.
Comment: The SEMA3E c.1471A>G variant is predicted to result in the amino acid substitution p.Ile491Val. To our knowledge, this variant has not been reported in the literature. This variant is reported in 0.0062% of alleles in individuals of African descent in gnomAD. At this time, the clinical significance of this variant is uncertain due to the absence of conclusive functional and genetic evidence.